The following is an entry in ClinVar:

ClinVar aggregate classification (germline): Conflicting classifications of pathogenicity. Review status: criteria provided, conflicting classifications (1 of 4 stars). 2 submissions from 2 submitters: Uncertain significance (1); Likely benign (1). Last evaluated 2025-05-26.

Conditions:
Hereditary cancer-predisposing syndrome. Also called: Neoplastic Syndromes, Hereditary; Tumor predisposition; Hereditary neoplastic syndrome; Hereditary Cancer Syndrome. Identifiers: Orphanet 140162, MedGen C0027672, MeSH D009386, MONDO:0015356.

Submissions (2):

Ambry Genetics
Classification: Uncertain significance for Hereditary cancer-predisposing syndrome. Last evaluated: 2025-05-26. Review status: criteria provided, single submitter. Criteria: Ambry Variant Classification Scheme 2023. Collection method: clinical testing. Allele origin: germline.
Comment: The p.G1184C variant (also known as c.3550G>T), located in coding exon 10 of the BRCA2 gene, results from a G to T substitution at nucleotide position 3550. The glycine at codon 1184 is replaced by cysteine, an amino acid with highly dissimilar properties. This amino acid position is not well conserved in available vertebrate species. In addition, this alteration is predicted to be tolerated by in silico analysis. Since supporting evidence is limited at this time, the clinical significance of this alteration remains unclear.

University of Washington Department of Laboratory Medicine, University of Washington
Classification: Likely benign for Hereditary cancer-predisposing syndrome. Last evaluated: 2023-03-23. Review status: criteria provided, single submitter. Criteria: Dines et al. (Genet Med. 2020). Collection method: curation. Allele origin: germline.
Comment: Missense variant in a coldspot region where missense variants are very unlikely to be pathogenic (PMID:31911673).

BRCA2 exon 11 coldspot. Reclassification based on statistical prior probability.

NM_000059.4(BRCA2):c.3550G>T (p.Gly1184Cys)

Gene: BRCA2 (BRCA2 DNA repair associated; plus strand). Cytogenetic location: 13q13.1.
Variant type: single nucleotide variant.
Coding change: c.3550G>T on transcript NM_000059.4 (MANE Select); coding-DNA position 3550, G replaced by T.
Protein change: p.Gly1184Cys; replaces glycine 1184 with cysteine.
Molecular consequence: missense variant.
Genome position (GRCh38, 1-based): chr13:32,337,905, G>T. VCF-style: chr13-32337905-G-T. GRCh37 (hg19) VCF-style: chr13-32912042-G-T.
Other names: short protein forms G1184C.
Identifiers: ClinVar variation 823915 (VCV000823915.7), dbSNP rs1593899860, ClinGen allele CA387777221.
Genomic context (GRCh38, chr13:32,337,905, plus strand): 5'-CTTCATGTCATAATGAATGCCCCATCGATTGGTCAGGTAGACAGCAGCAAGCAATTTGAA[G>T]GTACAGTTGAAATTAAACGGAAGTTTGCTGGCCTGTTGAAAAATGACTGTAACAAAAGTG-3'
Protein context (NP_000050.3, residues 1174-1194): GQVDSSKQFE[Gly1184Cys]TVEIKRKFAG